The following is an entry in ClinVar:

ClinVar aggregate classification (germline): Uncertain significance (1 of 4 stars; one submission).

Conditions:
Tuberous sclerosis 1 (TSC1). Identifiers: Orphanet 805, MedGen C1854465, MONDO:0008612, OMIM 191100.

gnomAD v4.1: 4 of 1,613,902 alleles (0.00025%); highest among the groups gnomAD compares: Non-Finnish European, 0.00034%; no homozygotes.

Submission:

Labcorp Genetics (formerly Invitae), Labcorp
Classification: Uncertain significance for Tuberous sclerosis 1. Last evaluated: 2023-03-18. Review status: criteria provided, single submitter. Criteria: Invitae Variant Classification Sherloc (09022015). Collection method: clinical testing. Allele origin: germline.
Comment: In summary, the available evidence is currently insufficient to determine the role of this variant in disease. Therefore, it has been classified as a Variant of Uncertain Significance. Variants that disrupt the consensus splice site are a relatively common cause of aberrant splicing (PMID: 17576681, 9536098). Algorithms developed to predict the effect of sequence changes on RNA splicing suggest that this variant may disrupt the consensus splice site. ClinVar contains an entry for this variant (Variation ID: 656131). This variant has not been reported in the literature in individuals affected with TSC1-related conditions. This variant is not present in population databases (gnomAD no frequency). This sequence change falls in intron 3 of the TSC1 gene. It does not directly change the encoded amino acid sequence of the TSC1 protein. It affects a nucleotide within the consensus splice site.

Literature cited by the submitters: PubMed 17576681; PubMed 9536098.

NM_000368.5(TSC1):c.106+6C>T

Gene: TSC1 (TSC complex subunit 1; minus strand). Cytogenetic location: 9q34.13.
Variant type: single nucleotide variant.
Coding change: c.106+6C>T on transcript NM_000368.5 (MANE Select); 6 bases into the intron after coding-DNA position 106, C replaced by T.
Molecular consequence: intron variant.
Genome position (GRCh38, 1-based): chr9:132,928,761, G>A on the plus strand (C>T on the coding strand, the complement: TSC1 is on the minus strand). VCF-style: chr9-132928761-G-A. GRCh37 (hg19) VCF-style: chr9-135804148-G-A.
Other names: c.-154+6C>T (NM_001362177.2); c.106+6C>T (NM_001162427.2, NM_001162426.2).
Identifiers: ClinVar variation 656131 (VCV000656131.6), dbSNP rs746774454, ClinGen allele CA915947272.
Genomic context (GRCh38, chr9:132,928,761, plus strand): 5'-CTAGTGGCTCTAAAGTCAATCTCTTCTTTCTAGAAGATAAGCTAAAAAGGATATTATTTT[G>A]CTAACCAGAATTGAGGTTCTCTTTAAAGACAGCTGTCACGTCGTCCCGCACACCCAGCAT-3'